The following is an entry in ClinVar:

NM_021005.4(NR2F2):c.139_155dup (p.Thr55fs)

Gene: NR2F2 (nuclear receptor subfamily 2 group F member 2; plus strand). Cytogenetic location: 15q26.2.
Variant type: Duplication.
Coding change: c.139_155dup on transcript NM_021005.4 (MANE Select); coding-DNA positions 139 to 155, 17 bases duplicated (GGCCCAGCCAGCACGCC).
Protein change: p.Thr55fs; shifts the reading frame from threonine 55.
Molecular consequence: frameshift variant. On other transcripts: intron variant (1).
Genome position (GRCh38, 1-based): chr15:96,332,244-96,332,260, GGCCCAGCCAGCACGCC duplicated. VCF-style (leftmost placement, unchanged base first): chr15-96332243-G-GGGCCCAGCCAGCACGCC. GRCh37 (hg19) VCF-style: chr15-96875472-G-GGGCCCAGCCAGCACGCC.
Other names: c.44-1832_44-1816dup (NM_001145155.2); short protein forms T55fs.
Identifiers: ClinVar variation 4722378 (VCV004722378.1).

ClinVar aggregate classification (germline): Pathogenic (1 of 4 stars; one submission).

Conditions:
Congenital heart defects, multiple types, 4 (CHTD4). Identifiers: MedGen C4014310, MONDO:0014344, OMIM 615779.

Submission:

Labcorp Genetics (formerly Invitae), Labcorp
Classification: Pathogenic for Congenital heart defects, multiple types, 4. Last evaluated: 2025-06-30. Review status: criteria provided, single submitter. Criteria: Invitae Variant Classification Sherloc (09022015). Collection method: clinical testing. Allele origin: germline.
Comment: This sequence change creates a premature translational stop signal (p.Thr55Profs*63) in the NR2F2 gene. It is expected to result in an absent or disrupted protein product. Loss-of-function variants in NR2F2 are known to be pathogenic (PMID: 10215630, 24702954). This variant is not present in population databases (gnomAD no frequency). This variant has not been reported in the literature in individuals affected with NR2F2-related conditions. For these reasons, this variant has been classified as Pathogenic.

Literature cited by the submitters: PubMed 10215630; PubMed 24702954.